The following is an entry in ClinVar:

NM_001009944.3(PKD1):c.5549C>G (p.Pro1850Arg)

Gene: PKD1 (polycystin 1, transient receptor potential channel interacting; minus strand). Cytogenetic location: 16p13.3.
Variant type: single nucleotide variant.
Coding change: c.5549C>G on transcript NM_001009944.3 (MANE Select); coding-DNA position 5549, C replaced by G.
Protein change: p.Pro1850Arg; replaces proline 1850 with arginine.
Molecular consequence: missense variant.
Genome position (GRCh38, 1-based): chr16:2,109,618, G>C on the plus strand (C>G on the coding strand, the complement: PKD1 is on the minus strand). VCF-style: chr16-2109618-G-C. GRCh37 (hg19) VCF-style: chr16-2159619-G-C.
Other names: c.5549C>G, p.Pro1850Arg (NM_000296.4); short protein forms P1850R.
Identifiers: ClinVar variation 4848463 (VCV004848463.1).
Genomic context (GRCh38, chr16:2,109,618, plus strand): 5'-TTGGAGGCATTGAGCCGGATGGAGAAGGTGCCAGCATCCGGGAAGACCATGGTGACATGA[G>C]GGCCACGCTTGCTGCTGCCGCCGGGCACAGCCCAGCACCAGCTCACATTGGTGCCCGTGG-3'
Protein context (NP_001009944.3, residues 1840-1860): AVPGGSSKRG[Pro1850Arg]HVTMVFPDAG

ClinVar aggregate classification (germline): Uncertain significance (1 of 4 stars; one submission).

gnomAD v4.1: 7 of 1,608,768 alleles (0.00044%); highest among the groups gnomAD compares: South Asian, 0.0044%; no homozygotes.

Submission:

Women's Health and Genetics/Laboratory Corporation of America, LabCorp
Classification: Uncertain significance. Last evaluated: 2026-04-17. Review status: criteria provided, single submitter. Criteria: LabCorp Variant Classification Summary - May 2015. Collection method: clinical testing. Allele origin: germline.
Comment: Variant summary: PKD1 c.5549C>G (p.Pro1850Arg) results in a non-conservative amino acid change in the encoded protein sequence. Algorithms developed to predict the effect of missense changes on protein structure and function are either unavailable or do not agree on the potential impact of this missense change. The variant allele was found at a frequency of 4.3e-06 in 231722 control chromosomes. The available data on variant occurrences in the general population are insufficient to allow any conclusion about variant significance. To our knowledge, no occurrence of c.5549C>G in individuals affected with PKD1-related conditions and no experimental evidence demonstrating its impact on protein function have been reported. No submitters have cited clinical-significance assessments for this variant to ClinVar. Based on the evidence outlined above, the variant was classified as uncertain significance.